The following is an entry in ClinVar:

NM_000520.6(HEXA):c.1423C>T (p.Pro475Ser)

Gene: HEXA (hexosaminidase subunit alpha; minus strand). Cytogenetic location: 15q23.
Variant type: single nucleotide variant.
Coding change: c.1423C>T on transcript NM_000520.6 (MANE Select); coding-DNA position 1423, C replaced by T.
Protein change: p.Pro475Ser; replaces proline 475 with serine.
Molecular consequence: missense variant. On other transcripts: non-coding transcript variant (1).
Genome position (GRCh38, 1-based): chr15:72,345,549, G>A on the plus strand (C>T on the coding strand, the complement: HEXA is on the minus strand). VCF-style: chr15-72345549-G-A. GRCh37 (hg19) VCF-style: chr15-72637890-G-A.
Other names: c.1456C>T, p.Pro486Ser (NM_001318825.2); short protein forms P475S, P486S.
Identifiers: ClinVar variation 3660130 (VCV003660130.2).

ClinVar aggregate classification (germline): Uncertain significance (1 of 4 stars; one submission).

Conditions:
Tay-Sachs disease (TSD). Also called: HEXA DEFICIENCY; GM2 gangliosidosis, type 1; Hexosaminidase alpha-subunit deficiency (variant B); Sphingolipidosis, Tay-Sachs; Hexosaminidase A Deficiency; HEXA Disorders. Identifiers: Orphanet 845, MedGen C0039373, MONDO:0010100, OMIM 272800.

gnomAD v4.1: 1 of 1,614,150 alleles (0.000062%); highest among the groups gnomAD compares: Non-Finnish European, 0.000085%; no homozygotes.

Submission:

Labcorp Genetics (formerly Invitae), Labcorp
Classification: Uncertain significance for Tay-Sachs disease. Last evaluated: 2024-07-21. Review status: criteria provided, single submitter. Criteria: Invitae Variant Classification Sherloc (09022015). Collection method: clinical testing. Allele origin: germline.
Comment: This sequence change replaces proline, which is neutral and non-polar, with serine, which is neutral and polar, at codon 475 of the HEXA protein (p.Pro475Ser). This variant is not present in population databases (gnomAD no frequency). This variant has not been reported in the literature in individuals affected with HEXA-related conditions. An algorithm developed to predict the effect of missense changes on protein structure and function (PolyPhen-2) suggests that this variant is likely to be disruptive. In summary, the available evidence is currently insufficient to determine the role of this variant in disease. Therefore, it has been classified as a Variant of Uncertain Significance.